The following is an entry in ClinVar:

NM_018100.4(EFHC1):c.881G>A (p.Arg294His)

Gene: EFHC1 (EF-hand domain containing 1; plus strand). Cytogenetic location: 6p12.2.
Variant type: single nucleotide variant.
Coding change: c.881G>A on transcript NM_018100.4 (MANE Select); coding-DNA position 881, G replaced by A.
Protein change: p.Arg294His; replaces arginine 294 with histidine.
Molecular consequence: missense variant. On other transcripts: non-coding transcript variant (1).
Genome position (GRCh38, 1-based): chr6:52,454,252, G>A. VCF-style: chr6-52454252-G-A. GRCh37 (hg19) VCF-style: chr6-52319050-G-A.
Other names: p.R294H:CGC>CAC; c.824G>A, p.Arg275His (NM_001172420.2); short protein forms R294H, R275H.
Identifiers: ClinVar variation 128970 (VCV000128970.24), dbSNP rs1570624, ClinGen allele CA288809.

ClinVar aggregate classification (germline): Benign. Review status: criteria provided, multiple submitters, no conflicts (2 of 4 stars). 7 submissions from 7 submitters: Benign (4). 3 of the submissions do not count toward it. Last evaluated 2026-08-01.

Conditions:
Myoclonic epilepsy, juvenile, susceptibility to, 1. Also called: Myoclonic Epilepsy, Juvenile, 1; EJM1. Identifiers: MedGen C1850778, MONDO:0020752, OMIM 254770.
Absence seizure. Also called: Absence epilepsy. Identifiers: Orphanet 1941, MedGen C0014553.
Juvenile myoclonic epilepsy (EJM). Also called: JANZ SYNDROME; PETIT MAL, IMPULSIVE. Identifiers: Orphanet 307, MedGen C0270853, MONDO:0009696.

Allele frequency attached by ClinVar (database versions not stated): 1000 Genomes Project 0.00419; 1000 Genomes Project 30x 0.00453; TOPMed 0.00638; ESP Exome Variant Server 0.00800; gnomAD 0.00935 and 0.00969; ExAC 0.00974; gnomAD exomes 0.01005 and 0.01096.
gnomAD v4.1: 17,377 of 1,614,098 alleles (1.1%); highest among the groups gnomAD compares: Non-Finnish European, 1.1%; 135 homozygotes.

Submissions (7):

CeGaT Center for Human Genetics Tuebingen
Classification: Benign. Last evaluated: 2026-08-01. Review status: criteria provided, single submitter. Criteria: CeGaT Center For Human Genetics Tuebingen Variant Classification Criteria Version 2. Collection method: clinical testing. Allele origin: germline. Affected: yes. Observed: 3 variant alleles.
Comment: EFHC1: BS1, BS2

Labcorp Genetics (formerly Invitae), Labcorp
Classification: Benign for Myoclonic epilepsy, juvenile, susceptibility to, 1; Absence seizure. Last evaluated: 2025-08-21. Review status: criteria provided, single submitter. Criteria: Invitae Variant Classification Sherloc (09022015). Collection method: clinical testing. Allele origin: germline.

Athena Diagnostics
Classification: Benign for Myoclonic epilepsy, juvenile, susceptibility to, 1. Last evaluated: 2017-05-19. Review status: criteria provided, single submitter. Criteria: Athena Diagnostics Criteria. Collection method: clinical testing. Allele origin: germline.

GeneDx
Classification: Benign. Last evaluated: 2012-12-31. Review status: criteria provided, single submitter. Criteria: GeneDx Variant Classification (06012015). Collection method: clinical testing. Allele origin: germline. Affected: yes.
Comment: This variant is considered likely benign or benign based on one or more of the following criteria: it is a conservative change, it occurs at a poorly conserved position in the protein, it is predicted to be benign by multiple in silico algorithms, and/or has population frequency not consistent with disease.

Diagnostic Laboratory, Department of Genetics, University Medical Center Groningen
Classification: Likely benign. Review status: no assertion criteria provided. Collection method: clinical testing. Allele origin: germline. Affected: yes. Study: VKGL Data-share Consensus. Not counted in ClinVar's aggregate classification.

Genetic Services Laboratory, University of Chicago
Classification: Likely benign for AllHighlyPenetrant. Review status: no assertion criteria provided. Collection method: clinical testing. Allele origin: germline. Not counted in ClinVar's aggregate classification.
Comment: Likely benign based on allele frequency in 1000 Genomes Project or ESP global frequency and its presence in a patient with a rare or unrelated disease phenotype. NOT Sanger confirmed.

Genome Diagnostics Laboratory, University Medical Center Utrecht
Classification: Likely benign. Review status: no assertion criteria provided. Collection method: clinical testing. Allele origin: germline. Affected: yes. Study: VKGL Data-share Consensus. Not counted in ClinVar's aggregate classification.

Literature cited by the submitters: PubMed 25625532 (cited by Athena Diagnostics); PubMed 27467453 (cited by Athena Diagnostics); PubMed 16839746 (cited by Athena Diagnostics).